The following is an entry in ClinVar:

ClinVar aggregate classification (germline): Conflicting classifications of pathogenicity. Review status: criteria provided, conflicting classifications (1 of 4 stars). 3 submissions from 3 submitters: Likely pathogenic (2); Uncertain significance (1). Last evaluated 2025-07-13.

Conditions:
Familial cancer of breast. Also called: BREAST CANCER, FAMILIAL; Hereditary breast cancer; hereditary breast carcinoma. Identifiers: Orphanet 227535, MedGen C0346153, MONDO:0016419, OMIM 114480. Disease mechanism: loss of function.
Hereditary cancer-predisposing syndrome. Also called: Tumor predisposition; Hereditary Cancer Syndrome; Hereditary neoplastic syndrome; Neoplastic Syndromes, Hereditary. Identifiers: Orphanet 140162, MedGen C0027672, MeSH D009386, MONDO:0015356.

Submissions (3):

Labcorp Genetics (formerly Invitae), Labcorp
Classification: Uncertain significance for Familial cancer of breast. Last evaluated: 2025-07-13. Review status: criteria provided, single submitter. Criteria: Invitae Variant Classification Sherloc (09022015). Collection method: clinical testing. Allele origin: germline.
Comment: This sequence change affects an acceptor splice site in intron 6 of the PALB2 gene. It is expected to disrupt RNA splicing. Variants that disrupt the donor or acceptor splice site typically lead to a loss of protein function (PMID: 16199547), and loss-of-function variants in PALB2 are known to be pathogenic (PMID: 17200668, 17200671, 17200672, 24136930, 25099575). This variant is not present in population databases (gnomAD no frequency). This variant has not been reported in the literature in individuals affected with PALB2-related conditions. ClinVar contains an entry for this variant (Variation ID: 410189). Algorithms developed to predict the effect of sequence changes on RNA splicing suggest that this variant may disrupt the consensus splice site. In summary, the available evidence is currently insufficient to determine the role of this variant in disease. Therefore, it has been classified as a Variant of Uncertain Significance.

Myriad Genetics, Inc.
Classification: Likely pathogenic for Familial cancer of breast. Last evaluated: 2023-09-13. Review status: criteria provided, single submitter. Criteria: Myriad Autosomal Dominant, Autosomal Recessive and X-Linked Classification Criteria (2023). Collection method: clinical testing. Allele origin: unknown.
Comment: This variant is considered likely pathogenic. This variant occurs within a consensus splice junction and is predicted to result in abnormal mRNA splicing of either an out-of-frame exon or an in-frame exon necessary for protein stability and/or normal function.

Ambry Genetics
Classification: Likely pathogenic for Hereditary cancer-predisposing syndrome. Last evaluated: 2017-01-26. Review status: criteria provided, single submitter. Criteria: Ambry Variant Classification Scheme 2023. Collection method: clinical testing. Allele origin: germline.
Comment: The c.2587-2A>C intronic variant results from an A to C substitution two nucleotides upstream from coding exon 7 in the PALB2 gene. This nucleotide position is highly conserved in available vertebrate species. The BDGP splice site prediction software does not produce a reliable prediction for the nearby native splice acceptor site. Using the ESEfinder splice site prediction tool, this alteration is predicted to abolish the native splice acceptor site; however, direct evidence is unavailable. Alterations that disrupt the canonical splice site are expected to cause aberrant splicing, resulting in an abnormal protein or a transcript that is subject to nonsense-mediated mRNA decay. As such, this alteration is classified as likely pathogenic.

Literature cited by the submitters: PubMed 16199547 (cited by Labcorp Genetics (formerly Invitae), Labcorp); PubMed 17200668 (cited by Labcorp Genetics (formerly Invitae), Labcorp); PubMed 17200671 (cited by Labcorp Genetics (formerly Invitae), Labcorp); PubMed 17200672 (cited by Labcorp Genetics (formerly Invitae), Labcorp); PubMed 24136930 (cited by Labcorp Genetics (formerly Invitae), Labcorp); PubMed 25099575 (cited by Labcorp Genetics (formerly Invitae), Labcorp).

NM_024675.4(PALB2):c.2587-2A>C

Gene: PALB2 (partner and localizer of BRCA2; minus strand). Cytogenetic location: 16p12.2.
Variant type: single nucleotide variant.
Coding change: c.2587-2A>C on transcript NM_024675.4 (MANE Select); the canonical splice acceptor site of the intron before coding-DNA position 2587, A replaced by C.
Molecular consequence: splice acceptor variant. On other transcripts: intron variant (3).
Genome position (GRCh38, 1-based): chr16:23,626,399, T>G on the plus strand (A>C on the coding strand, the complement: PALB2 is on the minus strand). VCF-style: chr16-23626399-T-G. GRCh37 (hg19) VCF-style: chr16-23637720-T-G.
Other names: c.1702-2A>C (NM_001407308.1, NM_001407306.1, NM_001407309.1 and 4 more transcripts); c.121-2A>C (NM_001407314.1); c.799-2A>C (NM_001407313.1, NM_001407312.1); c.2527-2A>C (NM_001407296.1); c.2515-2A>C (NM_001407297.1); c.2587-2305A>C (NM_001407302.1, NM_001407298.1); c.2587-2A>C (NM_001407300.1, NM_001407299.1, NM_001407301.1); c.1702-2305A>C (NM_001407307.1).
Identifiers: ClinVar variation 410189 (VCV000410189.15), dbSNP rs1060502787, ClinGen allele CA16615225.
Genomic context (GRCh38, chr16:23,626,399, plus strand): 5'-CAACCGGCTCTTTCCCAAAACATGGCACTCACATCTACGGAACAGGAACCTGAAGGATTC[T>G]GACACAATGGCAACAGTTCTGTTAAAGTGGCACTCGAGTGCTGTTTTATGCAAAGCATAA-3'